The following is an entry in ClinVar:

ClinVar aggregate classification (germline): Pathogenic (1 of 4 stars; one submission).

Submission:

Labcorp Genetics (formerly Invitae), Labcorp
Classification: Pathogenic. Last evaluated: 2024-04-20. Review status: criteria provided, single submitter. Criteria: Invitae Variant Classification Sherloc (09022015). Collection method: clinical testing. Allele origin: germline.
Comment: This sequence change creates a premature translational stop signal (p.Pro202Argfs*2) in the GNPTG gene. It is expected to result in an absent or disrupted protein product. Loss-of-function variants in GNPTG are known to be pathogenic (PMID: 19370764, 20301784). This variant is not present in population databases (gnomAD no frequency). This variant has not been reported in the literature in individuals affected with GNPTG-related conditions. For these reasons, this variant has been classified as Pathogenic.

Literature cited by the submitters: PubMed 19370764; PubMed 20301784.

NM_032520.5(GNPTG):c.594_604dup (p.Pro202delinsArgTer)

Gene: GNPTG (N-acetylglucosamine-1-phosphate transferase subunit gamma; plus strand). Cytogenetic location: 16p13.3.
Variant type: Duplication.
Coding change: c.594_604dup on transcript NM_032520.5 (MANE Select); coding-DNA positions 594 to 604, 11 bases duplicated (GCTGATCACCC).
Protein change: p.Pro202delinsArgTer.
Molecular consequence: nonsense.
Genome position (GRCh38, 1-based): chr16:1,362,519-1,362,529, GCTGATCACCC duplicated. VCF-style (leftmost placement, unchanged base first): chr16-1362518-A-AGCTGATCACCC. GRCh37 (hg19) VCF-style: chr16-1412519-A-AGCTGATCACCC.
Identifiers: ClinVar variation 3650470 (VCV003650470.2).